The following is an entry in ClinVar:

NM_006277.3(ITSN2):c.1989G>A (p.Gln663=)

Gene: ITSN2 (intersectin 2; minus strand). Cytogenetic location: 2p23.3.
Variant type: single nucleotide variant.
Coding change: c.1989G>A on transcript NM_006277.3 (MANE Select); coding-DNA position 1989, G replaced by A.
Protein change: p.Gln663=; no amino-acid change (glutamine 663 retained).
Molecular consequence: synonymous variant.
Genome position (GRCh38, 1-based): chr2:24,275,805, C>T on the plus strand (G>A on the coding strand, the complement: ITSN2 is on the minus strand). VCF-style: chr2-24275805-C-T. GRCh37 (hg19) VCF-style: chr2-24498674-C-T.
Other names: c.1947G>A, p.Gln649= (NM_001348181.2); c.1908G>A, p.Gln636= (NM_001348182.2, NM_001348183.2, NM_001348186.2 and 1 more transcripts); c.1866G>A, p.Gln622= (NM_001348184.2); c.1989G>A, p.Gln663= (NM_001348185.2, NM_147152.3); c.1989G>A (NM_006277.2).
Identifiers: ClinVar variation 2040709 (VCV002040709.6), dbSNP rs77507357, ClinGen allele CA1551320.
Genomic context (GRCh38, chr2:24,275,805, plus strand): 5'-CATTAGTTCTAATCTTTTCCTTTCAATTTCCTTCAACTTGTCACGTTTGATCTTATAAAG[C>T]TGTTCAAGGGCTAACTGCTGTGTGTTGTAGGTTTCTCTCAGTTCCTAAGGAGAAAAAGAA-3'
Protein context (NP_006268.2, residues 653-673): TYNTQQLALE[Gln663=]LYKIKRDKLK

ClinVar aggregate classification (germline): Benign. Review status: criteria provided, single submitter (1 of 4 stars). 2 submissions from 2 submitters: Benign (1). 1 of the submissions does not count toward it. Last evaluated 2026-02-01.

Conditions:
ITSN2-related disorder. Also called: ITSN2-related condition.

Allele frequency attached by ClinVar (database versions not stated): gnomAD exomes 0.00080; ExAC 0.00256; 1000 Genomes Project 0.00799; 1000 Genomes Project 30x 0.00843; gnomAD 0.00882; TOPMed 0.00987; ESP Exome Variant Server 0.01099.
gnomAD v4.1: 2,541 of 1,612,784 alleles (0.16%); highest among the groups gnomAD compares: African/African-American, 3.1%; 34 homozygotes.

Submissions (2):

Labcorp Genetics (formerly Invitae), Labcorp
Classification: Benign. Last evaluated: 2026-02-01. Review status: criteria provided, single submitter. Criteria: Invitae Variant Classification Sherloc (09022015). Collection method: clinical testing. Allele origin: germline.

PreventionGenetics, part of Exact Sciences
Classification: Benign for ITSN2-related condition. Last evaluated: 2019-04-02. Review status: no assertion criteria provided. Collection method: clinical testing. Allele origin: germline. Not counted in ClinVar's aggregate classification.
Comment: This variant is classified as benign based on ACMG/AMP sequence variant interpretation guidelines (Richards et al. 2015 PMID: 25741868, with internal and published modifications).